The following is an entry in ClinVar:

NM_024928.5(STN1):c.781A>G (p.Lys261Glu)

Gene: STN1 (STN1 subunit of CST complex; minus strand). Cytogenetic location: 10q24.33.
Variant type: single nucleotide variant.
Coding change: c.781A>G on transcript NM_024928.5 (MANE Select); coding-DNA position 781, A replaced by G.
Protein change: p.Lys261Glu; replaces lysine 261 with glutamic acid.
Molecular consequence: missense variant.
Genome position (GRCh38, 1-based): chr10:103,892,225, T>C on the plus strand (A>G on the coding strand, the complement: STN1 is on the minus strand). VCF-style: chr10-103892225-T-C. GRCh37 (hg19) VCF-style: chr10-105651983-T-C.
Other names: short protein forms K261E.
Identifiers: ClinVar variation 1978880 (VCV001978880.1), dbSNP rs757577860, ClinGen allele CA5676505.

ClinVar aggregate classification (germline): Uncertain significance (1 of 4 stars; one submission).

Allele frequency attached by ClinVar (database versions not stated): gnomAD exomes 0.00001; TOPMed 0.00001; ExAC 0.00002.
gnomAD v4.1: 7 of 1,601,560 alleles (0.00044%); highest among the groups gnomAD compares: Admixed American, 0.011%; no homozygotes.

Submission:

Labcorp Genetics (formerly Invitae), Labcorp
Classification: Uncertain significance. Last evaluated: 2022-08-01. Review status: criteria provided, single submitter. Criteria: Invitae Variant Classification Sherloc (09022015). Collection method: clinical testing. Allele origin: germline.
Comment: This sequence change replaces lysine, which is basic and polar, with glutamic acid, which is acidic and polar, at codon 261 of the STN1 protein (p.Lys261Glu). This variant is present in population databases (rs757577860, gnomAD 0.02%). This variant has not been reported in the literature in individuals affected with STN1-related conditions. Algorithms developed to predict the effect of missense changes on protein structure and function are either unavailable or do not agree on the potential impact of this missense change (SIFT: "Tolerated"; PolyPhen-2: "Possibly Damaging"; Align-GVGD: "Class C0"). In summary, the available evidence is currently insufficient to determine the role of this variant in disease. Therefore, it has been classified as a Variant of Uncertain Significance.